The following is an entry in ClinVar:

NM_000222.3(KIT):c.20C>T (p.Ala7Val)

Gene: KIT (KIT proto-oncogene, receptor tyrosine kinase; plus strand). Cytogenetic location: 4q12.
Variant type: single nucleotide variant.
Coding change: c.20C>T on transcript NM_000222.3 (MANE Select); coding-DNA position 20, C replaced by T.
Protein change: p.Ala7Val; replaces alanine 7 with valine.
Molecular consequence: missense variant.
Genome position (GRCh38, 1-based): chr4:54,658,034, C>T. VCF-style: chr4-54658034-C-T. GRCh37 (hg19) VCF-style: chr4-55524201-C-T.
Other names: c.20C>T (NM_000222.2); c.20C>T, p.Ala7Val (NM_001093772.2, NM_001385284.1, NM_001385285.1 and 4 more transcripts); short protein forms A7V.
Identifiers: ClinVar variation 1359604 (VCV001359604.7), dbSNP rs2109520869, ClinGen allele CA356897884.

ClinVar aggregate classification (germline): Uncertain significance. Review status: criteria provided, multiple submitters, no conflicts (2 of 4 stars). 3 submissions from 3 submitters: Uncertain significance (3). Last evaluated 2025-11-25.

Conditions:
Gastrointestinal stromal tumor. Also called: Gastrointestinal stroma tumor; Gastrointestinal stromal tumor, somatic. Identifiers: Orphanet 44890, MedGen C0238198, MeSH D046152, MONDO:0011719, OMIM 606764, HP:0100723.
Hereditary cancer-predisposing syndrome. Also called: Tumor predisposition; Hereditary Cancer Syndrome; Hereditary neoplastic syndrome; Neoplastic Syndromes, Hereditary. Identifiers: Orphanet 140162, MedGen C0027672, MeSH D009386, MONDO:0015356.

Submissions (3):

Ambry Genetics
Classification: Uncertain significance for Hereditary cancer-predisposing syndrome. Last evaluated: 2025-11-25. Review status: criteria provided, single submitter. Criteria: Ambry Variant Classification Scheme 2023. Collection method: clinical testing. Allele origin: germline.
Comment: The p.A7V variant (also known as c.20C>T), located in coding exon 1 of the KIT gene, results from a C to T substitution at nucleotide position 20. The alanine at codon 7 is replaced by valine, an amino acid with similar properties. This amino acid position is conserved. In addition, this alteration is predicted to be tolerated by in silico analysis. Based on the available evidence, the clinical significance of this variant remains unclear.

GeneDx
Classification: Uncertain significance. Last evaluated: 2022-11-14. Review status: criteria provided, single submitter. Criteria: GeneDx Variant Classification Process June 2021. Collection method: clinical testing. Allele origin: germline. Affected: yes.
Comment: Not observed at significant frequency in large population cohorts (gnomAD); In silico analysis supports that this missense variant does not alter protein structure/function; Has not been previously published as pathogenic or benign to our knowledge

Labcorp Genetics (formerly Invitae), Labcorp
Classification: Uncertain significance for Gastrointestinal stromal tumor. Last evaluated: 2021-08-26. Review status: criteria provided, single submitter. Criteria: Invitae Variant Classification Sherloc (09022015). Collection method: clinical testing. Allele origin: germline.
Comment: This sequence change replaces alanine with valine at codon 7 of the KIT protein (p.Ala7Val). The alanine residue is moderately conserved and there is a small physicochemical difference between alanine and valine. This variant is not present in population databases (ExAC no frequency). This variant has not been reported in the literature in individuals affected with KIT-related conditions. Algorithms developed to predict the effect of missense changes on protein structure and function (SIFT, PolyPhen-2, Align-GVGD) all suggest that this variant is likely to be tolerated. In summary, the available evidence is currently insufficient to determine the role of this variant in disease. Therefore, it has been classified as a Variant of Uncertain Significance.